The following is an entry in ClinVar:

ClinVar aggregate classification (germline): Pathogenic. Review status: criteria provided, multiple submitters, no conflicts (2 of 4 stars). 2 submissions from 2 submitters: Pathogenic (2). Last evaluated 2023-04-14.

Conditions:
Duchenne muscular dystrophy (DMD). Also called: MUSCULAR DYSTROPHY, PSEUDOHYPERTROPHIC PROGRESSIVE, DUCHENNE TYPE; Duchenne Muscular Dystrophy (DMD). Identifiers: Orphanet 98896, MedGen C0013264, MONDO:0010679, OMIM 310200.

Submissions (2):

Revvity Omics, Revvity
Classification: Pathogenic. Last evaluated: 2023-04-14. Review status: criteria provided, single submitter. Criteria: ACMG Guidelines, 2015. Collection method: clinical testing. Allele origin: germline.

Athena Diagnostics
Classification: Pathogenic for Duchenne muscular dystrophy. Last evaluated: 2015-01-16. Review status: criteria provided, single submitter. Criteria: Athena Diagnostics Criteria. Collection method: clinical testing. Allele origin: germline. Inheritance: X-linked recessive inheritance.
Comment: X-linked recessive inheritance

Literature cited by the submitters: PubMed 14695533 (cited by Athena Diagnostics).

NM_004006.3(DMD):c.9551dup (p.Asn3184fs)

Gene: DMD (dystrophin; minus strand). Cytogenetic location: Xp21.2.
Variant type: Duplication.
Coding change: c.9551dup on transcript NM_004006.3 (MANE Select); coding-DNA position 9551, one base duplicated (A; older notation c.9551dupA).
Protein change: p.Asn3184fs; shifts the reading frame from asparagine 3184.
Molecular consequence: frameshift variant.
Genome position (GRCh38, 1-based): chrX:31,209,510, T duplicated on the plus strand (A on the coding strand, the reverse complement: DMD is on the minus strand); the first of 2 consecutive T bases (chrX:31,209,510-31,209,511); duplicating either gives the same sequence. VCF-style (leftmost placement, unchanged base first): chrX-31209509-A-AT. GRCh37 (hg19) VCF-style: chrX-31227626-A-AT.
Other names: c.9527dup, p.Asn3176fs (NM_000109.4); c.9539dup, p.Asn3180fs (NM_004009.3); c.9182dup, p.Asn3061fs (NM_004010.3); c.5528dup, p.Asn1843fs (NM_004011.4); c.5519dup, p.Asn1840fs (NM_004012.4); c.2171dup, p.Asn724fs (NM_004013.3, NM_004020.4, NM_004021.3 and 2 more transcripts); c.1364dup, p.Asn455fs (NM_004014.3); c.347dup, p.Asn116fs (NM_004015.3, NM_004016.3, NM_004017.3 and 2 more transcripts); short protein forms N3061fs, N1840fs, N1843fs, N455fs, N724fs, N3184fs, N116fs, N3176fs.
Identifiers: ClinVar variation 217219 (VCV000217219.3), dbSNP rs863225017, ClinGen allele CA347501.